The following is an entry in ClinVar:

ClinVar aggregate classification (germline): Pathogenic/Likely pathogenic. Review status: criteria provided, multiple submitters, no conflicts (2 of 4 stars). 4 submissions from 4 submitters: Pathogenic (2); Likely pathogenic (1). 1 of the submissions does not count toward it. Last evaluated 2026-06-03.

Conditions:
Cardiovascular phenotype. Identifiers: MedGen CN230736.
ACVRL1-related disorder. Also called: ACVRL1-related disorders; ACVRL1-related condition.
Hereditary hemorrhagic telangiectasia (HHT). Also called: ORW DISEASE; Osler Weber Rendu syndrome; OSLER-RENDU-WEBER DISEASE; Osler hemorrhagic telangiectasia syndrome. Identifiers: Orphanet 774, MedGen C0039445, MONDO:0019180. Disease mechanism: loss of function.
Telangiectasia, hereditary hemorrhagic, type 2 (HHT2). Also called: ACVRL1-Related Hereditary Hemorrhagic Telangiectasia; Telangiectasia, hereditary hemorrhagic, type II. Identifiers: Orphanet 774, MedGen C1838163, MONDO:0010880, OMIM 600376. Disease mechanism: loss of function.

Submissions (4):

Ambry Genetics
Classification: Likely pathogenic for Cardiovascular phenotype. Last evaluated: 2026-06-03. Review status: criteria provided, single submitter. Criteria: Ambry Variant Classification Scheme 2023. Collection method: clinical testing. Allele origin: germline.
Comment: The p.G258S variant (also known as c.772G>A), located in coding exon 5 of the ACVRL1 gene, results from a G to A substitution at nucleotide position 772. The glycine at codon 258 is replaced by serine, an amino acid with similar properties. However, this change occurs in the last base pair of coding exon 5, which makes it likely to have some effect on normal mRNA splicing. This variant has been detected in individuals reported to have hereditary hemorrhagic telangiectasia (Koenighofer M et al. Clin Exp Otorhinolaryngol, 2019 Nov;12:405-411; Richards-Yutz J et al. Hum Genet, 2010 Jul;128:61-77). This variant is considered to be rare based on population cohorts in the Genome Aggregation Database (gnomAD). This nucleotide position is highly conserved in available vertebrate species. This amino acid position is highly conserved in available vertebrate species. In silico splice site analysis predicts that this alteration may weaken the native splice donor site. In addition, as a missense substitution, this alteration is predicted to be deleterious by in silico analysis. This variant is considered to be rare based on population cohorts in the Genome Aggregation Database (gnomAD). Based on the majority of available evidence to date, this variant is likely to be pathogenic.

Labcorp Genetics (formerly Invitae), Labcorp
Classification: Pathogenic for Telangiectasia, hereditary hemorrhagic, type 2. Last evaluated: 2024-12-16. Review status: criteria provided, single submitter. Criteria: Invitae Variant Classification Sherloc (09022015). Collection method: clinical testing. Allele origin: germline.
Comment: This sequence change replaces glycine, which is neutral and non-polar, with serine, which is neutral and polar, at codon 258 of the ACVRL1 protein (p.Gly258Ser). This variant also falls at the last nucleotide of exon 6, which is part of the consensus splice site for this exon. This variant is not present in population databases (gnomAD no frequency). This missense change has been observed in individual(s) with hereditary hemorrhagic telangiectasia (PMID: 20414677, 31220907; internal data). ClinVar contains an entry for this variant (Variation ID: 444101). Invitae Evidence Modeling of protein sequence and biophysical properties (such as structural, functional, and spatial information, amino acid conservation, physicochemical variation, residue mobility, and thermodynamic stability) has been performed for this missense variant. However, the output from this modeling did not meet the statistical confidence thresholds required to predict the impact of this variant on ACVRL1 protein function. Variants that disrupt the consensus splice site are a relatively common cause of aberrant splicing (PMID: 17576681, 9536098). Algorithms developed to predict the effect of sequence changes on RNA splicing suggest that this variant may disrupt the consensus splice site. For these reasons, this variant has been classified as Pathogenic.

Blueprint Genetics
Classification: Pathogenic for ACVRL1-related disorders. Last evaluated: 2022-12-29. Review status: criteria provided, single submitter. Criteria: ACMG Guidelines, 2015. Collection method: clinical testing. Allele origin: germline. Affected: yes. Observed: 1 variant allele.

Genetics, Medical University of Vienna
Classification: Likely pathogenic for Hereditary hemorrhagic telangiectasia. Last evaluated: 2024-11-01. Review status: no assertion criteria provided. Collection method: research. Allele origin: germline. Affected: yes. Not counted in ClinVar's aggregate classification.

Literature cited by the submitters: PubMed 20414677 (cited by Ambry Genetics and Labcorp Genetics (formerly Invitae), Labcorp); PubMed 31220907 (cited by 3 submitters); PubMed 37206738 (cited by Ambry Genetics); PubMed 17576681 (cited by Labcorp Genetics (formerly Invitae), Labcorp); PubMed 9536098 (cited by Labcorp Genetics (formerly Invitae), Labcorp).

NM_000020.3(ACVRL1):c.772G>A (p.Gly258Ser)

Gene: ACVRL1 (activin A receptor like type 1; plus strand). Cytogenetic location: 12q13.13.
Variant type: single nucleotide variant.
Coding change: c.772G>A on transcript NM_000020.3 (MANE Select); coding-DNA position 772, G replaced by A.
Protein change: p.Gly258Ser; replaces glycine 258 with serine.
Molecular consequence: missense variant.
Genome position (GRCh38, 1-based): chr12:51,914,585, G>A. VCF-style: chr12-51914585-G-A. GRCh37 (hg19) VCF-style: chr12-52308369-G-A.
Other names: c.772G>A, p.Gly258Ser (NM_001077401.2); short protein forms G258S.
Identifiers: ClinVar variation 444101 (VCV000444101.16), dbSNP rs1555152966, ClinGen allele CA384900266.